The following is an entry in ClinVar:

ClinVar aggregate classification (germline): Uncertain significance (1 of 4 stars; one submission).

Submission:

Ambry Genetics
Classification: Uncertain significance. Last evaluated: 2023-08-29. Review status: criteria provided, single submitter. Criteria: Ambry Variant Classification Scheme 2023. Collection method: clinical testing. Allele origin: germline.
Comment: The p.H1018P variant (also known as c.3053A>C), located in coding exon 4 of the ALPK2 gene, results from an A to C substitution at nucleotide position 3053. The histidine at codon 1018 is replaced by proline, an amino acid with similar properties. This amino acid position is conserved. In addition, this alteration is predicted to be tolerated by in silico analysis. Since supporting evidence is limited at this time, the clinical significance of this alteration remains unclear.

NM_052947.4(ALPK2):c.3053A>C (p.His1018Pro)

Gene: ALPK2 (alpha kinase 2; minus strand). Cytogenetic location: 18q21.31.
Variant type: single nucleotide variant.
Coding change: c.3053A>C on transcript NM_052947.4 (MANE Select); coding-DNA position 3053, A replaced by C.
Protein change: p.His1018Pro; replaces histidine 1018 with proline.
Molecular consequence: missense variant.
Genome position (GRCh38, 1-based): chr18:58,537,134, T>G on the plus strand (A>C on the coding strand, the complement: ALPK2 is on the minus strand). VCF-style: chr18-58537134-T-G. GRCh37 (hg19) VCF-style: chr18-56204366-T-G.
Other names: short protein forms H1018P.
Identifiers: ClinVar variation 2624518 (VCV002624518.2), dbSNP rs2518876946, ClinGen allele CA402569206.